The following is an entry in ClinVar:

NM_001164508.2(NEB):c.19983dup (p.Tyr6662fs)

Gene: NEB (nebulin; minus strand). Cytogenetic location: 2q23.3.
Variant type: Duplication.
Coding change: c.19983dup on transcript NM_001164508.2 (MANE Select); coding-DNA position 19983, one base duplicated (A; older notation c.19983dupA).
Protein change: p.Tyr6662fs; shifts the reading frame from tyrosine 6662.
Molecular consequence: frameshift variant.
Genome position (GRCh38, 1-based): chr2:151,549,702, T duplicated on the plus strand (A on the coding strand, the reverse complement: NEB is on the minus strand). VCF-style (leftmost placement, unchanged base first): chr2-151549701-A-AT. GRCh37 (hg19) VCF-style: chr2-152406215-A-AT.
Other names: c.19983dup, p.Tyr6662fs (NM_001164507.2, NM_001271208.2); c.14880dup, p.Tyr4961fs (NM_004543.5); short protein forms Y4961fs, Y6662fs.
Identifiers: ClinVar variation 1726975 (VCV001726975.2), dbSNP rs2552182232, ClinGen allele CA2580063912.

ClinVar aggregate classification (germline): Likely pathogenic (1 of 4 stars; one submission).

Conditions:
Nemaline myopathy 2 (NEM2). Also called: Nemaline myopathy 2, autosomal recessive. Identifiers: MedGen C1850569, MONDO:0009725, OMIM 256030.

Submission:

Myriad Genetics, Inc.
Classification: Likely pathogenic for Nemaline myopathy 2. Last evaluated: 2022-01-02. Review status: criteria provided, single submitter. Criteria: Myriad Women's Health Autosomal Recessive and X-Linked Classification Criteria (2021). Collection method: clinical testing. Allele origin: unknown.
Comment: NM_001271208.1(NEB):c.19983dupA(Y6662Ifs*2) is expected to be pathogenic in the context of NEB-related nemaline myopathy. This variant is predicted to lead to an abnormal or absent protein product due to the creation of a premature termination codon in NEB, a gene where loss-of-function variants are known to be pathogenic. Please note: this variant was assessed in the context of healthy population screening.